The following is an entry in ClinVar:

NM_000632.4(ITGAM):c.928G>A (p.Asp310Asn)

Gene: ITGAM (integrin subunit alpha M; plus strand). Cytogenetic location: 16p11.2.
Variant type: single nucleotide variant.
Coding change: c.928G>A on transcript NM_000632.4 (MANE Select); coding-DNA position 928, G replaced by A.
Protein change: p.Asp310Asn; replaces aspartic acid 310 with asparagine.
Molecular consequence: missense variant.
Genome position (GRCh38, 1-based): chr16:31,275,618, G>A. VCF-style: chr16-31275618-G-A. GRCh37 (hg19) VCF-style: chr16-31286939-G-A.
Other names: c.928G>A (NM_000632.3); c.928G>A, p.Asp310Asn (NM_001145808.2); short protein forms D310N.
Identifiers: ClinVar variation 1900277 (VCV001900277.3), dbSNP rs767115141, ClinGen allele CA8025382.
Genomic context (GRCh38, chr16:31,275,618, plus strand): 5'-GCCTTCCGCAGTGAGAAATCCCGCCAAGAGCTTAATACCATCGCATCCAAGCCGCCTCGT[G>A]ATCACGTGTTCCAGGTGAATAACTTTGAGGCTCTGAAGACCATTCAGAACCAGCTTCGGG-3'
Protein context (NP_000623.2, residues 300-320): LNTIASKPPR[Asp310Asn]HVFQVNNFEA

ClinVar aggregate classification (germline): Uncertain significance. Review status: criteria provided, multiple submitters, no conflicts (2 of 4 stars). 2 submissions from 2 submitters: Uncertain significance (2). Last evaluated 2025-09-01.

Allele frequency attached by ClinVar (database versions not stated): ExAC 0.00001; TOPMed 0.00001.

Submissions (2):

Ambry Genetics
Classification: Uncertain significance. Last evaluated: 2025-09-01. Review status: criteria provided, single submitter. Criteria: Ambry Variant Classification Scheme 2023. Collection method: clinical testing. Allele origin: germline.

Labcorp Genetics (formerly Invitae), Labcorp
Classification: Uncertain significance. Last evaluated: 2022-03-30. Review status: criteria provided, single submitter. Criteria: Invitae Variant Classification Sherloc (09022015). Collection method: clinical testing. Allele origin: germline.
Comment: This sequence change replaces aspartic acid, which is acidic and polar, with asparagine, which is neutral and polar, at codon 310 of the ITGAM protein (p.Asp310Asn). This variant is present in population databases (rs767115141, gnomAD 0.01%). This variant has not been reported in the literature in individuals affected with ITGAM-related conditions. Algorithms developed to predict the effect of missense changes on protein structure and function are either unavailable or do not agree on the potential impact of this missense change (SIFT: "Deleterious"; PolyPhen-2: "Possibly Damaging"; Align-GVGD: "Class C0"). In summary, the available evidence is currently insufficient to determine the role of this variant in disease. Therefore, it has been classified as a Variant of Uncertain Significance.